The following is an entry in ClinVar:

NM_005857.5(ZMPSTE24):c.609C>G (p.Phe203Leu)

Gene: ZMPSTE24 (zinc metallopeptidase STE24; plus strand). Cytogenetic location: 1p34.2.
Variant type: single nucleotide variant.
Coding change: c.609C>G on transcript NM_005857.5 (MANE Select); coding-DNA position 609, C replaced by G.
Protein change: p.Phe203Leu; replaces phenylalanine 203 with leucine.
Molecular consequence: missense variant.
Genome position (GRCh38, 1-based): chr1:40,270,109, C>G. VCF-style: chr1-40270109-C-G. GRCh37 (hg19) VCF-style: chr1-40735781-C-G.
Other names: short protein forms F203L.
Identifiers: ClinVar variation 1480494 (VCV001480494.1), dbSNP rs202090930, ClinGen allele CA791025.

ClinVar aggregate classification (germline): Uncertain significance (1 of 4 stars; one submission).

Allele frequency attached by ClinVar (database versions not stated): ExAC 0.00002; gnomAD 0.00002.
gnomAD v4.1: 28 of 1,613,718 alleles (0.0017%); highest among the groups gnomAD compares: Non-Finnish European, 0.0023%; no homozygotes.

Submission:

Labcorp Genetics (formerly Invitae), Labcorp
Classification: Uncertain significance. Last evaluated: 2021-10-11. Review status: criteria provided, single submitter. Criteria: Invitae Variant Classification Sherloc (09022015). Collection method: clinical testing. Allele origin: germline.
Comment: This sequence change replaces phenylalanine with leucine at codon 203 of the ZMPSTE24 protein (p.Phe203Leu). There is a small physicochemical difference between phenylalanine and leucine. This variant is present in population databases (rs202090930, ExAC 0.01%). This variant has not been reported in the literature in individuals affected with ZMPSTE24-related conditions. Algorithms developed to predict the effect of missense changes on protein structure and function are either unavailable or do not agree on the potential impact of this missense change (SIFT: "Not Available"; PolyPhen-2: "Benign"; Align-GVGD: "Not Available"). In summary, the available evidence is currently insufficient to determine the role of this variant in disease. Therefore, it has been classified as a Variant of Uncertain Significance.